The following is an entry in ClinVar:

NM_000552.5(VWF):c.2739A>C (p.Gly913=)

Gene: VWF (von Willebrand factor; minus strand). Cytogenetic location: 12p13.31.
Variant type: single nucleotide variant.
Coding change: c.2739A>C on transcript NM_000552.5 (MANE Select); coding-DNA position 2739, A replaced by C.
Protein change: p.Gly913=; no amino-acid change (glycine 913 retained).
Molecular consequence: synonymous variant.
Genome position (GRCh38, 1-based): chr12:6,031,525, T>G on the plus strand (A>C on the coding strand, the complement: VWF is on the minus strand). VCF-style: chr12-6031525-T-G. GRCh37 (hg19) VCF-style: chr12-6140691-T-G.
Other names: p.Gly913=; c.2739A>C (NM_000552.4).
Identifiers: ClinVar variation 1336650 (VCV001336650.34), dbSNP rs35191786, ClinGen allele CA6402959.

ClinVar aggregate classification (germline): Likely benign. Review status: criteria provided, multiple submitters, no conflicts (2 of 4 stars). 7 submissions from 7 submitters: Likely benign (7). Last evaluated 2025-12-01.

Conditions:
von Willebrand disease type 1 (VWD1). Also called: VON WILLEBRAND DISEASE, TYPE I; VWD, TYPE 1. Identifiers: Orphanet 166078, Orphanet 903, MedGen C1264039, MONDO:0008668, OMIM 193400. Inheritance: autosomal recessive or autosomal dominant.
von Willebrand disease type 3 (VWD3). Also called: Type 3 Von Willebrand's disease; Type 3 VWD; Von Willebrand disease, severe form; V WD3; VON WILLEBRAND DISEASE, TYPE III. Identifiers: Orphanet 166096, MedGen C1264041, MONDO:0010191, OMIM 277480.
von Willebrand disease type 2 (VWD2). Also called: VON WILLEBRAND DISEASE, TYPE 2A/IIE; VON WILLEBRAND DISEASE, TYPE 2CB; VON WILLEBRAND DISEASE, TYPE II; VWD, TYPE 2. Identifiers: Orphanet 166081, Orphanet 903, MedGen C1264040, MONDO:0013304, OMIM 613554.

Allele frequency attached by ClinVar (database versions not stated): ESP Exome Variant Server 0.00077; 1000 Genomes Project 30x 0.00078; gnomAD 0.00097 and 0.00102; 1000 Genomes Project 0.00100; TOPMed 0.00103.

Submissions (7):

CeGaT Center for Human Genetics Tuebingen
Classification: Likely benign. Last evaluated: 2025-12-01. Review status: criteria provided, single submitter. Criteria: CeGaT Center For Human Genetics Tuebingen Variant Classification Criteria Version 2. Collection method: clinical testing. Allele origin: germline. Affected: yes. Observed: 2 variant alleles.
Comment: VWF: BP4, BP7

Quest Diagnostics Nichols Institute San Juan Capistrano
Classification: Likely benign. Last evaluated: 2025-10-14. Review status: criteria provided, single submitter. Criteria: Quest Diagnostics criteria. Collection method: clinical testing. Allele origin: unknown.

Mayo Clinic Laboratories, Mayo Clinic
Classification: Likely benign. Last evaluated: 2025-08-26. Review status: criteria provided, single submitter. Criteria: ACMG Guidelines, 2015. Collection method: clinical testing. Allele origin: germline. Observed: 2 variant alleles.
Comment: BS1, BP4, BP7

Blueprint Genetics
Classification: Likely benign. Last evaluated: 2024-11-07. Review status: criteria provided, single submitter. Criteria: ACMG Guidelines, 2015. Collection method: clinical testing. Allele origin: germline.

Women's Health and Genetics/Laboratory Corporation of America, LabCorp
Classification: Likely benign. Last evaluated: 2024-03-05. Review status: criteria provided, single submitter. Criteria: LabCorp Variant Classification Summary - May 2015. Collection method: clinical testing. Allele origin: germline.

Fulgent Genetics
Classification: Likely benign for von Willebrand disease type 1; von Willebrand disease type 3; von Willebrand disease type 2. Last evaluated: 2021-10-27. Review status: criteria provided, single submitter. Criteria: ACMG Guidelines, 2015. Collection method: clinical testing. Allele origin: unknown.

Genetic Services Laboratory, University of Chicago
Classification: Likely benign. Last evaluated: 2020-03-16. Review status: criteria provided, single submitter. Criteria: ACMG Guidelines, 2015. Collection method: clinical testing. Allele origin: germline. Affected: no.